The following is an entry in ClinVar:

ClinVar aggregate classification (germline): Pathogenic/Likely pathogenic. Review status: criteria provided, multiple submitters, no conflicts (2 of 4 stars). 5 submissions from 5 submitters: Pathogenic (4); Likely pathogenic (1). Last evaluated 2025-10-28.

Conditions:
CDH1-related diffuse gastric and lobular breast cancer syndrome. Also called: CDH1-related diffuse gastric and lobular breast cancer. Identifiers: MedGen CN311521, MONDO:0100488.
Hereditary diffuse gastric adenocarcinoma (HDGC). Also called: DIFFUSE GASTRIC AND LOBULAR BREAST CANCER SYNDROME. Identifiers: Orphanet 26106, MedGen C1708349, MONDO:0007648, OMIM 137215.
Hereditary cancer-predisposing syndrome. Also called: Neoplastic Syndromes, Hereditary; Hereditary neoplastic syndrome; Tumor predisposition; Hereditary Cancer Syndrome. Identifiers: Orphanet 140162, MedGen C0027672, MeSH D009386, MONDO:0015356.

Submissions (5):

Dasa
Classification: Pathogenic for CDH1-related diffuse gastric and lobular breast cancer syndrome. Last evaluated: 2025-10-28. Review status: criteria provided, single submitter. Criteria: DASA Assertion Criteria. Collection method: clinical testing. Allele origin: germline.
Comment: NM_004360.5(CDH1):c.377dup (p.Pro127Alafs*41) is a frameshift variant in CDH1 predicted to alter the reading frame and introduce a premature termination codon and is predicted to result in an absent or altered protein product. Loss of function is an established disease mechanism for CDH1 (PMID: 26182300; PMID: 24037103; PMID: 19168852). This variant has been recurrently observed in individuals with CDH1-related disorders (PMID: 20373070; PMID: 15235021; PMID: 32175104). Also, this variant is absent from population databases. Based on the currently available evidence, this variant is classified as pathogenic.

Labcorp Genetics (formerly Invitae), Labcorp
Classification: Pathogenic for Hereditary diffuse gastric adenocarcinoma. Last evaluated: 2024-04-10. Review status: criteria provided, single submitter. Criteria: Invitae Variant Classification Sherloc (09022015). Collection method: clinical testing. Allele origin: germline.
Comment: This sequence change creates a premature translational stop signal (p.Pro127Alafs*41) in the CDH1 gene. It is expected to result in an absent or disrupted protein product. Loss-of-function variants in CDH1 are known to be pathogenic (PMID: 15235021, 20373070). This variant is not present in population databases (gnomAD no frequency). This premature translational stop signal has been observed in individual(s) with clinical features of CDH1-related conditions (PMID: 21520333). ClinVar contains an entry for this variant (Variation ID: 846516). For these reasons, this variant has been classified as Pathogenic.

Myriad Genetics, Inc.
Classification: Pathogenic for Hereditary diffuse gastric adenocarcinoma. Last evaluated: 2023-06-08. Review status: criteria provided, single submitter. Criteria: Myriad Autosomal Dominant, Autosomal Recessive and X-Linked Classification Criteria (2023). Collection method: clinical testing. Allele origin: unknown.
Comment: This variant is considered pathogenic. This variant creates a frameshift predicted to result in premature protein truncation.

Sema4
Classification: Likely pathogenic for Hereditary cancer-predisposing syndrome. Last evaluated: 2020-12-09. Review status: criteria provided, single submitter. Criteria: Sema4 Curation Guidelines. Collection method: curation. Allele origin: germline.
Comment: The CDH1 c.377dupC (p.P127Afs*41) variant has been reported in one individual with gastric cancer (PMID: 32175104). This variant creates a frameshift at amino acid 127 that results in premature termination 41 amino acids downstream. At this location, this is predicted to cause nonsense-mediated decay and result in an absent protein (loss of function). This variant is not reported in the Genome Aggregation Database (PMID: 27535533). Based on the current evidence available, this variant is interpreted as likely pathogenic.

Ambry Genetics
Classification: Pathogenic for Hereditary cancer-predisposing syndrome. Last evaluated: 2020-12-08. Review status: criteria provided, single submitter. Criteria: Ambry Variant Classification Scheme 2023. Collection method: clinical testing. Allele origin: germline.
Comment: The c.377dupC pathogenic mutation, located in coding exon 3 of the CDH1 gene, results from a duplication of C at nucleotide position 377, causing a translational frameshift with a predicted alternate stop codon (p.P127Afs*41). This alteration is expected to result in loss of function by premature protein truncation or nonsense-mediated mRNA decay. As such, this alteration is interpreted as a disease-causing mutation.

Literature cited by the submitters: PubMed 20373070 (cited by Dasa and Labcorp Genetics (formerly Invitae), Labcorp); PubMed 15235021 (cited by Dasa and Labcorp Genetics (formerly Invitae), Labcorp); PubMed 32175104 (cited by Dasa and Sema4); PubMed 21520333 (cited by Dasa and Labcorp Genetics (formerly Invitae), Labcorp); PubMed 26182300 (cited by Dasa); PubMed 24037103 (cited by Dasa); PubMed 19168852 (cited by Dasa).

NM_004360.5(CDH1):c.377dup (p.Pro127fs)

Gene: CDH1 (cadherin 1; plus strand). Cytogenetic location: 16q22.1.
Variant type: Duplication.
Coding change: c.377dup on transcript NM_004360.5 (MANE Select); coding-DNA position 377, one base duplicated (C; older notation c.377dupC).
Protein change: p.Pro127fs; shifts the reading frame from proline 127.
Molecular consequence: frameshift variant. On other transcripts: 5 prime UTR variant (2).
Genome position (GRCh38, 1-based): chr16:68,801,883, C duplicated; the last of 6 consecutive C bases (chr16:68,801,878-68,801,883); duplicating any one gives the same sequence. VCF-style (leftmost placement, unchanged base first): chr16-68801877-G-GC. GRCh37 (hg19) VCF-style: chr16-68835780-G-GC.
Other names: c.377dup, p.Pro127fs (NM_001317184.2); c.-1239dup (NM_001317185.2); c.-1443dup (NM_001317186.2); c.377dupC (NM_004360.3); short protein forms P127fs.
Identifiers: ClinVar variation 846516 (VCV000846516.17), dbSNP rs1060501215, ClinGen allele CA496152708.
Genomic context (GRCh38, chr16:68,801,877, plus strand): 5'-ACTCCACCTACAGAAAGTTTTCCACCAAAGTCACGCTGAATACAGTGGGGCACCACCACC[G>GC]CCCCCCGCCCCATCAGGTATGTTGGCATTTTTCTGAGAAGTTCGCTGTTGTTTTAGTGCG-3'